The following is an entry in ClinVar:

ClinVar aggregate classification (germline): Uncertain significance. Review status: criteria provided, multiple submitters, no conflicts (2 of 4 stars). 2 submissions from 2 submitters: Uncertain significance (2). Last evaluated 2025-11-05.

Conditions:
Epidermolysis bullosa simplex 5C, with pyloric atresia (EBS5C). Also called: PLEC-Related Epidermolysis Bullosa with Pyloric Atresia; Epidermolysis bullosa simplex with pyloric atresia; PLEC1-Related Epidermolysis Bullosa with Pyloric Atresia. Identifiers: Orphanet 158684, MedGen C2677349, MONDO:0012807, OMIM 612138.
Epidermolysis bullosa simplex with nail dystrophy (EBS5D). Identifiers: MedGen C4225309, MONDO:0014661, OMIM 616487.
Epidermolysis bullosa simplex 5B, with muscular dystrophy (EBS5B). Also called: Epidermolysis bullosa simplex with muscular dystrophy; EPIDERMOLYSIS BULLOSA SIMPLEX AND LIMB-GIRDLE MUSCULAR DYSTROPHY. Identifiers: Orphanet 257, MedGen C2931072, MONDO:0009181, OMIM 226670.
Autosomal recessive limb-girdle muscular dystrophy type 2Q (LGMDR17). Also called: MUSCULAR DYSTROPHY, LIMB-GIRDLE, AUTOSOMAL RECESSIVE 17. Identifiers: Orphanet 254361, MedGen C3150989, MONDO:0013390, OMIM 613723.
Epidermolysis bullosa simplex, Ogna type (EBS5A). Also called: Pidermolysis bullosa simplex 5A, Ogna type; EPIDERMOLYSIS BULLOSA SIMPLEX 5A, OGNA TYPE. Identifiers: Orphanet 79401, MedGen C0432317, MONDO:0007555, OMIM 131950.

Allele frequency attached by ClinVar (database versions not stated): gnomAD 0.00002; TOPMed 0.00002.

Submissions (2):

Labcorp Genetics (formerly Invitae), Labcorp
Classification: Uncertain significance for Autosomal recessive limb-girdle muscular dystrophy type 2Q; Epidermolysis bullosa simplex, Ogna type; Epidermolysis bullosa simplex with nail dystrophy; Epidermolysis bullosa simplex 5C, with pyloric atresia; Epidermolysis bullosa simplex 5B, with muscular dystrophy. Last evaluated: 2025-11-05. Review status: criteria provided, single submitter. Criteria: Invitae Variant Classification Sherloc (09022015). Collection method: clinical testing. Allele origin: germline.
Comment: This sequence change replaces serine, which is neutral and polar, with threonine, which is neutral and polar, at codon 3533 of the PLEC protein (p.Ser3533Thr). This variant is not present in population databases (gnomAD no frequency). This variant has not been reported in the literature in individuals affected with PLEC-related conditions. ClinVar contains an entry for this variant (Variation ID: 569243). Invitae Evidence Modeling of protein sequence and biophysical properties (such as structural, functional, and spatial information, amino acid conservation, physicochemical variation, residue mobility, and thermodynamic stability) indicates that this missense variant is not expected to disrupt PLEC protein function with a negative predictive value of 80%. In summary, the available evidence is currently insufficient to determine the role of this variant in disease. Therefore, it has been classified as a Variant of Uncertain Significance.

Revvity Omics, Revvity
Classification: Uncertain significance. Last evaluated: 2020-09-09. Review status: criteria provided, single submitter. Criteria: ACMG Guidelines, 2015. Collection method: clinical testing. Allele origin: germline.

NM_201384.3(PLEC):c.10517G>C (p.Ser3506Thr)

Gene: PLEC (plectin; minus strand). Cytogenetic location: 8q24.3.
Variant type: single nucleotide variant.
Coding change: c.10517G>C on transcript NM_201384.3 (MANE Select); coding-DNA position 10517, G replaced by C.
Protein change: p.Ser3506Thr; replaces serine 3506 with threonine.
Molecular consequence: missense variant.
Genome position (GRCh38, 1-based): chr8:143,919,304, C>G on the plus strand (G>C on the coding strand, the complement: PLEC is on the minus strand). VCF-style: chr8-143919304-C-G. GRCh37 (hg19) VCF-style: chr8-144993472-C-G.
Other names: c.10598G>C (NM_000445.3); c.10598G>C, p.Ser3533Thr (NM_000445.5); c.10475G>C, p.Ser3492Thr (NM_201378.4); c.10451G>C, p.Ser3484Thr (NM_201379.3); c.10928G>C, p.Ser3643Thr (NM_201380.4); c.10421G>C, p.Ser3474Thr (NM_201381.3); c.10517G>C, p.Ser3506Thr (NM_201382.4); c.10529G>C, p.Ser3510Thr (NM_201383.3); short protein forms S3484T, S3506T, S3474T, S3492T, S3643T, S3510T, S3533T.
Identifiers: ClinVar variation 569243 (VCV000569243.11), dbSNP rs1041184401, ClinGen allele CA187608874.